The following is an entry in ClinVar:

NM_001130144.3(LTBP3):c.1735C>T (p.Arg579Ter)

Gene: LTBP3 (latent transforming growth factor beta binding protein 3; minus strand). Cytogenetic location: 11q13.1.
Variant type: single nucleotide variant.
Coding change: c.1735C>T on transcript NM_001130144.3 (MANE Select); coding-DNA position 1735, C replaced by T.
Protein change: p.Arg579Ter; replaces arginine 579 with a stop codon.
Molecular consequence: nonsense.
Genome position (GRCh38, 1-based): chr11:65,548,031, G>A on the plus strand (C>T on the coding strand, the complement: LTBP3 is on the minus strand). VCF-style: chr11-65548031-G-A. GRCh37 (hg19) VCF-style: chr11-65315502-G-A.
Other names: c.1384C>T, p.Arg462Ter (NM_001164266.1); c.1735C>T, p.Arg579Ter (NM_021070.4); short protein forms R462*, R579*.
Identifiers: ClinVar variation 1417406 (VCV001417406.6), dbSNP rs767708438, ClinGen allele CA223964870.
Genomic context (GRCh38, chr11:65,548,031, plus strand): 5'-AGGAGTAGTCAGGGGGGCCCGGCACGCACTCTCCGTGGCCACAGATGTTCTGGTTCAGTC[G>A]GCACTCATCAGTCTCTGCGGGCATGGCCAGGTCAAGCGGCAGAGCAGGGAGCGCTCACCT-3'

ClinVar aggregate classification (germline): Pathogenic (1 of 4 stars; one submission).

Conditions:
Brachyolmia-amelogenesis imperfecta syndrome. Also called: Dental anomalies and short stature; Tooth agenesis, selective, 6; PLATYSPONDYLY WITH AMELOGENESIS IMPERFECTA. Identifiers: Orphanet 2899, MedGen C1832594, MONDO:0011018, OMIM 601216. Disease mechanism: loss of function.

Submission:

Labcorp Genetics (formerly Invitae), Labcorp
Classification: Pathogenic for Brachyolmia-amelogenesis imperfecta syndrome. Last evaluated: 2021-06-28. Review status: criteria provided, single submitter. Criteria: Invitae Variant Classification Sherloc (09022015). Collection method: clinical testing. Allele origin: germline.
Comment: For these reasons, this variant has been classified as Pathogenic. This variant has not been reported in the literature in individuals affected with LTBP3-related conditions. This variant is not present in population databases (ExAC no frequency). This sequence change creates a premature translational stop signal (p.Arg579*) in the LTBP3 gene. It is expected to result in an absent or disrupted protein product. Loss-of-function variants in LTBP3 are known to be pathogenic (PMID: 11790802, 19344874, 25669657).

Literature cited by the submitters: PubMed 11790802; PubMed 19344874; PubMed 25669657.